The following is an entry in ClinVar:

NM_006734.4(HIVEP2):c.7075C>G (p.Gln2359Glu)

Gene: HIVEP2 (HIVEP zinc finger 2; minus strand). Cytogenetic location: 6q24.2.
Variant type: single nucleotide variant.
Coding change: c.7075C>G on transcript NM_006734.4 (MANE Select); coding-DNA position 7075, C replaced by G.
Protein change: p.Gln2359Glu; replaces glutamine 2359 with glutamic acid.
Molecular consequence: missense variant.
Genome position (GRCh38, 1-based): chr6:142,753,373, G>C on the plus strand (C>G on the coding strand, the complement: HIVEP2 is on the minus strand). VCF-style: chr6-142753373-G-C. GRCh37 (hg19) VCF-style: chr6-143074510-G-C.
Other names: short protein forms Q2359E.
Identifiers: ClinVar variation 3669913 (VCV003669913.2).
Genomic context (GRCh38, chr6:142,753,373, plus strand): 5'-GACCTGGCTCAGGTCTACTAAAGTGTCTAATGCTAACATGTGCACTTCCCAGGGGGTTCT[G>C]GTGGGGCTCCTGCACCCGCGCTGGCTGATCTGGCCCGAGCAGAGCTGCCTCTTCCGTGGC-3'
Protein context (NP_006725.3, residues 2349-2369): DQPARVQEPH[Gln2359Glu]NPLGSAHVSI

ClinVar aggregate classification (germline): Uncertain significance (1 of 4 stars; one submission).

gnomAD v4.1: 7 of 1,614,020 alleles (0.00043%); highest among the groups gnomAD compares: East Asian, 0.0022%; no homozygotes.

Submission:

Labcorp Genetics (formerly Invitae), Labcorp
Classification: Uncertain significance. Last evaluated: 2025-02-24. Review status: criteria provided, single submitter. Criteria: Invitae Variant Classification Sherloc (09022015). Collection method: clinical testing. Allele origin: germline.
Comment: This sequence change replaces glutamine, which is neutral and polar, with glutamic acid, which is acidic and polar, at codon 2359 of the HIVEP2 protein (p.Gln2359Glu). This variant is present in population databases (rs749615937, gnomAD 0.009%). This variant has not been reported in the literature in individuals affected with HIVEP2-related conditions. An algorithm developed to predict the effect of missense changes on protein structure and function (PolyPhen-2) suggests that this variant is likely to be tolerated. In summary, the available evidence is currently insufficient to determine the role of this variant in disease. Therefore, it has been classified as a Variant of Uncertain Significance.